The following is an entry in ClinVar:

NM_002075.4(GNB3):c.911G>A (p.Arg304His)

Genes: CDCA3 (cell division cycle associated 3; minus strand), GNB3 (G protein subunit beta 3; plus strand). Cytogenetic location: 12p13.31.
Variant type: single nucleotide variant.
Coding change: c.911G>A on transcript NM_002075.4 (MANE Select); coding-DNA position 911, G replaced by A.
Protein change: p.Arg304His; replaces arginine 304 with histidine.
Molecular consequence: missense variant.
Genome position (GRCh38, 1-based): chr12:6,845,797, G>A. VCF-style: chr12-6845797-G-A. GRCh37 (hg19) VCF-style: chr12-6954961-G-A.
Other names: c.908G>A, p.Arg303His (NM_001297571.2); short protein forms R303H, R304H.
Identifiers: ClinVar variation 859499 (VCV000859499.10), dbSNP rs144342814, ClinGen allele CA6417700.

ClinVar aggregate classification (germline): Uncertain significance (1 of 4 stars; one submission).

Allele frequency attached by ClinVar (database versions not stated): gnomAD exomes 0.00002; TOPMed 0.00002; ESP Exome Variant Server 0.00015; 1000 Genomes Project 30x 0.00016; 1000 Genomes Project 0.00020.
gnomAD v4.1: 38 of 1,611,460 alleles (0.0024%); highest among the groups gnomAD compares: Admixed American, 0.0033%; no homozygotes.

Submission:

Labcorp Genetics (formerly Invitae), Labcorp
Classification: Uncertain significance. Last evaluated: 2025-12-03. Review status: criteria provided, single submitter. Criteria: Invitae Variant Classification Sherloc (09022015). Collection method: clinical testing. Allele origin: germline.
Comment: This sequence change replaces arginine, which is basic and polar, with histidine, which is basic and polar, at codon 304 of the GNB3 protein (p.Arg304His). This variant is present in population databases (rs144342814, gnomAD 0.004%). This variant has not been reported in the literature in individuals affected with GNB3-related conditions. ClinVar contains an entry for this variant (Variation ID: 859499). Invitae Evidence Modeling of protein sequence and biophysical properties (such as structural, functional, and spatial information, amino acid conservation, physicochemical variation, residue mobility, and thermodynamic stability) indicates that this missense variant is not expected to disrupt GNB3 protein function with a negative predictive value of 80%. In summary, the available evidence is currently insufficient to determine the role of this variant in disease. Therefore, it has been classified as a Variant of Uncertain Significance.